The following is an entry in ClinVar:

NM_001042492.3(NF1):c.2900dup (p.Met968fs)

Gene: NF1 (neurofibromin 1; plus strand). Cytogenetic location: 17q11.2.
Variant type: Duplication.
Coding change: c.2900dup on transcript NM_001042492.3 (MANE Select); coding-DNA position 2900, one base duplicated (T; older notation c.2900dupT).
Protein change: p.Met968fs; shifts the reading frame from methionine 968.
Molecular consequence: frameshift variant.
Genome position (GRCh38, 1-based): chr17:31,229,884, T duplicated. VCF-style (leftmost placement, unchanged base first): chr17-31229883-A-AT. GRCh37 (hg19) VCF-style: chr17-29556901-A-AT.
Other names: c.2900dup, p.Met968Asnfs (NM_000267.4); short protein forms M968fs.
Identifiers: ClinVar variation 839014 (VCV000839014.6), dbSNP rs2067083695, ClinGen allele CA916080642.

ClinVar aggregate classification (germline): Pathogenic (1 of 4 stars; one submission).

Conditions:
Neurofibromatosis, type 1 (NF1). Also called: Peripheral type neurofibromatosis; Neurofibromatosis, type I; VON RECKLINGHAUSEN DISEASE; NEUROFIBROMATOSIS, TYPE I, SOMATIC. Identifiers: Orphanet 636, MedGen C0027831, MONDO:0018975, OMIM 162200. Disease mechanism: loss of function.

Submission:

Labcorp Genetics (formerly Invitae), Labcorp
Classification: Pathogenic for Neurofibromatosis, type 1. Last evaluated: 2025-04-10. Review status: criteria provided, single submitter. Criteria: Invitae Variant Classification Sherloc (09022015). Collection method: clinical testing. Allele origin: germline.
Comment: This sequence change creates a premature translational stop signal (p.Met968Asnfs*7) in the NF1 gene. It is expected to result in an absent or disrupted protein product. Loss-of-function variants in NF1 are known to be pathogenic (PMID: 10712197, 23913538). This variant is not present in population databases (gnomAD no frequency). This variant has not been reported in the literature in individuals affected with NF1-related conditions. ClinVar contains an entry for this variant (Variation ID: 839014). Algorithms developed to predict the effect of sequence changes on RNA splicing suggest that this variant may disrupt the consensus splice site. For these reasons, this variant has been classified as Pathogenic.

Literature cited by the submitters: PubMed 10712197; PubMed 23913538.